The following is an entry in ClinVar:

ClinVar aggregate classification (germline): Uncertain significance (1 of 4 stars; one submission).

Conditions:
Menkes kinky-hair syndrome (MNK). Also called: Menkes Disease; Copper transport disease; Classic Menkes Disease. Identifiers: Orphanet 565, MedGen C0022716, MONDO:0010651, OMIM 309400.
Cutis laxa, X-linked (OHS). Also called: EDS IX; Occipital horn syndrome. Identifiers: Orphanet 198, MedGen C0268353, MONDO:0010572, OMIM 304150.
X-linked distal spinal muscular atrophy type 3. Also called: ATP7A-Related Distal Motor Neuropathy; SPINAL MUSCULAR ATROPHY, DISTAL, X-LINKED RECESSIVE; NEURONOPATHY, DISTAL HEREDITARY MOTOR, X-LINKED; NEUROPATHY, DISTAL HEREDITARY MOTOR, X-LINKED. Identifiers: Orphanet 139557, MedGen C1845359, MONDO:0010338, OMIM 300489.

gnomAD v4.1: 1 of 1,208,931 alleles (0.000083%); highest among the groups gnomAD compares: Non-Finnish European, 0.00011%; no homozygotes.

Submission:

Labcorp Genetics (formerly Invitae), Labcorp
Classification: Uncertain significance for X-linked distal spinal muscular atrophy type 3; Cutis laxa, X-linked; Menkes kinky-hair syndrome. Last evaluated: 2025-12-18. Review status: criteria provided, single submitter. Criteria: Invitae Variant Classification Sherloc (09022015). Collection method: clinical testing. Allele origin: germline.
Comment: This sequence change falls in intron 18 of the ATP7A gene. It does not directly change the encoded amino acid sequence of the ATP7A protein. It affects a nucleotide within the consensus splice site. This variant is not present in population databases (gnomAD no frequency). This variant has not been reported in the literature in individuals affected with ATP7A-related conditions. Variants that disrupt the consensus splice site are a relatively common cause of aberrant splicing (PMID: 17576681, 9536098). Algorithms developed to predict the effect of sequence changes on RNA splicing suggest that this variant is not likely to affect RNA splicing. In summary, the available evidence is currently insufficient to determine the role of this variant in disease. Therefore, it has been classified as a Variant of Uncertain Significance.

Literature cited by the submitters: PubMed 17576681; PubMed 9536098.

NM_000052.7(ATP7A):c.3658+4A>G

Gene: ATP7A (ATPase copper transporting alpha; plus strand). Cytogenetic location: Xq21.1.
Variant type: single nucleotide variant.
Coding change: c.3658+4A>G on transcript NM_000052.7 (MANE Select); 4 bases into the intron after coding-DNA position 3658, A replaced by G.
Molecular consequence: intron variant.
Genome position (GRCh38, 1-based): chrX:78,038,986, A>G. VCF-style: chrX-78038986-A-G. GRCh37 (hg19) VCF-style: chrX-77294484-A-G.
Other names: c.3424+4A>G (NM_001282224.2).
Identifiers: ClinVar variation 4782928 (VCV004782928.1).